The following is an entry in ClinVar:

NM_001114753.3(ENG):c.674C>A (p.Pro225Gln)

Gene: ENG (endoglin; minus strand). Cytogenetic location: 9q34.11.
Variant type: single nucleotide variant.
Coding change: c.674C>A on transcript NM_001114753.3 (MANE Select); coding-DNA position 674, C replaced by A.
Protein change: p.Pro225Gln; replaces proline 225 with glutamine.
Molecular consequence: missense variant.
Genome position (GRCh38, 1-based): chr9:127,825,710, G>T on the plus strand (C>A on the coding strand, the complement: ENG is on the minus strand). VCF-style: chr9-127825710-G-T. GRCh37 (hg19) VCF-style: chr9-130587989-G-T.
Other names: c.674C>A (NM_000118.2); c.674C>A, p.Pro225Gln (NM_000118.4, NM_001406715.1); c.128C>A, p.Pro43Gln (NM_001278138.2); short protein forms P225Q, P43Q.
Identifiers: ClinVar variation 2777154 (VCV002777154.4), dbSNP rs781715616, ClinGen allele CA374983506.

ClinVar aggregate classification (germline): Conflicting classifications of pathogenicity. Review status: criteria provided, conflicting classifications (1 of 4 stars). 2 submissions from 2 submitters: Uncertain significance (1); Likely benign (1). Last evaluated 2025-02-24.

Conditions:
Hereditary hemorrhagic telangiectasia (HHT). Also called: ORW DISEASE; Osler Weber Rendu syndrome; OSLER-RENDU-WEBER DISEASE; Osler hemorrhagic telangiectasia syndrome. Identifiers: Orphanet 774, MedGen C0039445, MONDO:0019180. Disease mechanism: loss of function.

gnomAD v4.1: 3 of 1,586,488 alleles (0.00019%); highest among the groups gnomAD compares: African/African-American, 0.0013%; no homozygotes.

Submissions (2):

GeneDx
Classification: Uncertain significance. Last evaluated: 2025-02-24. Review status: criteria provided, single submitter. Criteria: GeneDx Variant Classification Process June 2021. Collection method: clinical testing. Allele origin: germline. Affected: yes.
Comment: Not observed at significant frequency in large population cohorts (gnomAD); In silico analysis indicates that this missense variant does not alter protein structure/function; Has not been previously published as pathogenic or benign to our knowledge

Labcorp Genetics (formerly Invitae), Labcorp
Classification: Likely benign for Hereditary hemorrhagic telangiectasia. Last evaluated: 2023-03-14. Review status: criteria provided, single submitter. Criteria: Invitae Variant Classification Sherloc (09022015). Collection method: clinical testing. Allele origin: germline.